The following is an entry in ClinVar:

NM_001366385.1(CARD14):c.556G>T (p.Ala186Ser)

Gene: CARD14 (caspase recruitment domain family member 14; plus strand). Cytogenetic location: 17q25.3.
Variant type: single nucleotide variant.
Coding change: c.556G>T on transcript NM_001366385.1 (MANE Select); coding-DNA position 556, G replaced by T.
Protein change: p.Ala186Ser; replaces alanine 186 with serine.
Molecular consequence: missense variant. On other transcripts: non-coding transcript variant (1).
Genome position (GRCh38, 1-based): chr17:80,184,119, G>T. VCF-style: chr17-80184119-G-T. GRCh37 (hg19) VCF-style: chr17-78157918-G-T.
Other names: c.556G>T, p.Ala186Ser (NM_001257970.1, NM_024110.4); short protein forms A186S.
Identifiers: ClinVar variation 950253 (VCV000950253.10), dbSNP rs190213582, ClinGen allele CA401337303.

ClinVar aggregate classification (germline): Uncertain significance (1 of 4 stars; one submission).

Conditions:
Pityriasis rubra pilaris (PRP). Also called: Pityriasis rubra pilaris--familial type. Identifiers: Orphanet 2897, MedGen C0032027, MONDO:0100017, OMIM 173200, MONDO:0008251.
Psoriasis 2. Identifiers: MedGen C1864497, MONDO:0011269, OMIM 602723.

Submission:

Labcorp Genetics (formerly Invitae), Labcorp
Classification: Uncertain significance for Pityriasis rubra pilaris; Psoriasis 2. Last evaluated: 2024-08-21. Review status: criteria provided, single submitter. Criteria: Invitae Variant Classification Sherloc (09022015). Collection method: clinical testing. Allele origin: germline.
Comment: This sequence change replaces alanine, which is neutral and non-polar, with serine, which is neutral and polar, at codon 186 of the CARD14 protein (p.Ala186Ser). This variant is not present in population databases (gnomAD no frequency). This variant has not been reported in the literature in individuals affected with CARD14-related conditions. ClinVar contains an entry for this variant (Variation ID: 950253). Invitae Evidence Modeling of protein sequence and biophysical properties (such as structural, functional, and spatial information, amino acid conservation, physicochemical variation, residue mobility, and thermodynamic stability) indicates that this missense variant is not expected to disrupt CARD14 protein function with a negative predictive value of 80%. In summary, the available evidence is currently insufficient to determine the role of this variant in disease. Therefore, it has been classified as a Variant of Uncertain Significance.